The following is an entry in ClinVar:

ClinVar aggregate classification (germline): Uncertain significance (1 of 4 stars; one submission).

Conditions:
Parathyroid carcinoma (PRTC). Also called: Parathyroid gland carcinoma; CDC73-Related Parathyroid Carcinoma. Identifiers: Orphanet 143, MedGen C0687150, MONDO:0012004, OMIM 608266, HP:0006780.

Submission:

Labcorp Genetics (formerly Invitae), Labcorp
Classification: Uncertain significance for Parathyroid carcinoma. Last evaluated: 2020-07-27. Review status: criteria provided, single submitter. Criteria: Invitae Variant Classification Sherloc (09022015). Collection method: clinical testing. Allele origin: germline.
Comment: In summary, the available evidence is currently insufficient to determine the role of this variant in disease. Therefore, it has been classified as a Variant of Uncertain Significance. Algorithms developed to predict the effect of missense changes on protein structure and function (SIFT, PolyPhen-2, Align-GVGD) all suggest that this variant is likely to be tolerated, but these predictions have not been confirmed by published functional studies and their clinical significance is uncertain. This variant has not been reported in the literature in individuals with CDC73-related conditions. This variant is not present in population databases (ExAC no frequency). This sequence change replaces threonine with serine at codon 368 of the CDC73 protein (p.Thr368Ser). The threonine residue is moderately conserved and there is a small physicochemical difference between threonine and serine.

NM_024529.5(CDC73):c.1102A>T (p.Thr368Ser)

Gene: CDC73 (cell division cycle 73; plus strand). Cytogenetic location: 1q31.2.
Variant type: single nucleotide variant.
Coding change: c.1102A>T on transcript NM_024529.5 (MANE Select); coding-DNA position 1102, A replaced by T.
Protein change: p.Thr368Ser; replaces threonine 368 with serine.
Molecular consequence: missense variant.
Genome position (GRCh38, 1-based): chr1:193,212,425, A>T. VCF-style: chr1-193212425-A-T. GRCh37 (hg19) VCF-style: chr1-193181555-A-T.
Other names: short protein forms T368S.
Identifiers: ClinVar variation 1009945 (VCV001009945.9), dbSNP rs1358233620, ClinGen allele CA344077581.